The following is an entry in ClinVar:

NM_000179.3(MSH6):c.1940dup (p.Ser648fs)

Gene: MSH6 (mutS homolog 6; plus strand). Cytogenetic location: 2p16.3.
Variant type: Duplication.
Coding change: c.1940dup on transcript NM_000179.3 (MANE Select); coding-DNA position 1940, one base duplicated (T; older notation c.1940dupT).
Protein change: p.Ser648fs; shifts the reading frame from serine 648.
Molecular consequence: frameshift variant. On other transcripts: non-coding transcript variant (5), intron variant (2).
Genome position (GRCh38, 1-based): chr2:47,799,923, T duplicated. VCF-style (leftmost placement, unchanged base first): chr2-47799922-C-CT. GRCh37 (hg19) VCF-style: chr2-48027061-C-CT.
Other names: c.1550dup, p.Ser518fs (NM_001281492.2); c.1034dup, p.Ser346fs (NM_001281493.2, NM_001281494.2, NM_001406811.1 and 6 more transcripts); c.2036dup, p.Ser680fs (NM_001406795.1, NM_001406802.1); c.1940dup, p.Ser648fs (NM_001406796.1, NM_001406798.1, NM_001406800.1 and 3 more transcripts); c.1643dup, p.Ser549fs (NM_001406797.1, NM_001406801.1, NM_001406805.1 and 10 more transcripts); c.1415dup, p.Ser473fs (NM_001406799.1, NM_001406806.1, NM_001406807.1); c.1862dup, p.Ser622fs (NM_001406804.1); c.1946dup, p.Ser650fs (NM_001406813.1); and 3 more; short protein forms S346fs, S473fs, S518fs, S549fs, S592fs, S622fs, S648fs, S650fs.
Identifiers: ClinVar variation 2573241 (VCV002573241.1), dbSNP rs2530639994, ClinGen allele CA2580612571.
Genomic context (GRCh38, chr2:47,799,922, plus strand): 5'-TTTTGGGATGCATCCAAAACTTTGAGAACTCTCCTTGAGGAAGAATATTTTAGGGAAAAG[C>CT]TAAGTGATGGCATTGGGGTGATGTTACCCCAGGTGCTTAAAGGTATGACTTCAGAGTCTG-3'

ClinVar aggregate classification (germline): Pathogenic (1 of 4 stars; one submission).

Conditions:
Lynch syndrome 5 (LYNCH5). Also called: Colorectal cancer, hereditary nonpolyposis, type 5; Hereditary non-polyposis colorectal cancer, type 5. Identifiers: Orphanet 144, MedGen C1833477, MONDO:0013710, OMIM 614350. Disease mechanism: loss of function.

Submission:

Myriad Genetics, Inc.
Classification: Pathogenic for Lynch syndrome 5. Last evaluated: 2023-03-21. Review status: criteria provided, single submitter. Criteria: Myriad Autosomal Dominant, Autosomal Recessive and X-Linked Classification Criteria (2023). Collection method: clinical testing. Allele origin: unknown.
Comment: This variant is considered pathogenic. This variant creates a frameshift predicted to result in premature protein truncation.